The following is an entry in ClinVar:

NM_004655.4(AXIN2):c.1804G>C (p.Gly602Arg)

Gene: AXIN2 (axin 2; minus strand). Cytogenetic location: 17q24.1.
Variant type: single nucleotide variant.
Coding change: c.1804G>C on transcript NM_004655.4 (MANE Select); coding-DNA position 1804, G replaced by C.
Protein change: p.Gly602Arg; replaces glycine 602 with arginine.
Molecular consequence: missense variant. On other transcripts: intron variant (1).
Genome position (GRCh38, 1-based): chr17:65,536,972, C>G on the plus strand (G>C on the coding strand, the complement: AXIN2 is on the minus strand). VCF-style: chr17-65536972-C-G. GRCh37 (hg19) VCF-style: chr17-63533090-C-G.
Other names: c.1712+352G>C (NM_001363813.1); short protein forms G602R.
Identifiers: ClinVar variation 2800033 (VCV002800033.3), dbSNP rs1203434475, ClinGen allele CA400676590.

ClinVar aggregate classification (germline): Uncertain significance (1 of 4 stars; one submission).

Conditions:
Oligodontia-cancer predisposition syndrome. Also called: TOOTH AGENESIS-COLORECTAL CANCER SYNDROME. Identifiers: Orphanet 300576, MedGen C1837750, MONDO:0012075, OMIM 608615. Disease mechanism: loss of function.

Submission:

Labcorp Genetics (formerly Invitae), Labcorp
Classification: Uncertain significance for Oligodontia-cancer predisposition syndrome. Last evaluated: 2024-05-13. Review status: criteria provided, single submitter. Criteria: Invitae Variant Classification Sherloc (09022015). Collection method: clinical testing. Allele origin: germline.
Comment: This sequence change replaces glycine, which is neutral and non-polar, with arginine, which is basic and polar, at codon 602 of the AXIN2 protein (p.Gly602Arg). This variant is not present in population databases (gnomAD no frequency). This variant has not been reported in the literature in individuals affected with AXIN2-related conditions. An algorithm developed to predict the effect of missense changes on protein structure and function (PolyPhen-2) suggests that this variant is likely to be disruptive. In summary, the available evidence is currently insufficient to determine the role of this variant in disease. Therefore, it has been classified as a Variant of Uncertain Significance.